The following is an entry in ClinVar:

ClinVar aggregate classification (germline): Uncertain significance (1 of 4 stars; one submission).

Submission:

GeneDx
Classification: Uncertain significance. Last evaluated: 2023-05-21. Review status: criteria provided, single submitter. Criteria: GeneDx Variant Classification Process June 2021. Collection method: clinical testing. Allele origin: germline. Affected: yes.
Comment: Not observed at significant frequency in large population cohorts (gnomAD); In silico analysis supports that this missense variant has a deleterious effect on protein structure/function; Has not been previously published as pathogenic or benign to our knowledge

NM_003412.4(ZIC1):c.974C>T (p.Thr325Met)

Gene: ZIC1 (Zic family member 1; plus strand). Cytogenetic location: 3q24.
Variant type: single nucleotide variant.
Coding change: c.974C>T on transcript NM_003412.4 (MANE Select); coding-DNA position 974, C replaced by T.
Protein change: p.Thr325Met; replaces threonine 325 with methionine.
Molecular consequence: missense variant.
Genome position (GRCh38, 1-based): chr3:147,411,086, C>T. VCF-style: chr3-147411086-C-T. GRCh37 (hg19) VCF-style: chr3-147128873-C-T.
Other names: short protein forms T325M.
Identifiers: ClinVar variation 3343639 (VCV003343639.1).